The following is an entry in ClinVar:

ClinVar aggregate classification (germline): Uncertain significance. Review status: criteria provided, multiple submitters, no conflicts (2 of 4 stars). 3 submissions from 3 submitters: Uncertain significance (3). Last evaluated 2026-01-05.

Conditions:
Osteoporosis with pseudoglioma (OPPG). Also called: osteoporosis-pseudoglioma syndrome. Identifiers: Orphanet 2788, MedGen C0432252, MONDO:0009820, OMIM 259770.
Polycystic liver disease 4 with or without kidney cysts. Identifiers: MedGen C4693479, MONDO:0044327, OMIM 617875.
Exudative vitreoretinopathy 4 (EVR4). Identifiers: Orphanet 891, MedGen C1866176, MONDO:0011151, OMIM 601813.
Autosomal dominant osteopetrosis 1 (OPTA1). Also called: OSTEOPETROSIS, AUTOSOMAL DOMINANT, TYPE I. Identifiers: Orphanet 2783, MedGen C1843330, MONDO:0011877, OMIM 607634.
Bone mineral density quantitative trait locus 1 (BMND1). Identifiers: MedGen C1866079, OMIM 601884.
Worth disease. Also called: ENDOSTEAL HYPEROSTOSIS, AUTOSOMAL DOMINANT; OSTEOSCLEROSIS, AUTOSOMAL DOMINANT; Autosomal dominant osteosclerosis, Worth type. Identifiers: Orphanet 2790, MedGen C0432273, MONDO:0007764, OMIM 144750.

Allele frequency attached by ClinVar (database versions not stated): gnomAD exomes below 0.00001; ExAC 0.00001; gnomAD 0.00001 and 0.00002; TOPMed 0.00001.
gnomAD v4.1: 9 of 1,613,612 alleles (0.00056%); highest among the groups gnomAD compares: African/African-American, 0.0053%; no homozygotes.

Submissions (3):

Labcorp Genetics (formerly Invitae), Labcorp
Classification: Uncertain significance. Last evaluated: 2026-01-05. Review status: criteria provided, single submitter. Criteria: Invitae Variant Classification Sherloc (09022015). Collection method: clinical testing. Allele origin: germline.
Comment: This sequence change replaces arginine, which is basic and polar, with cysteine, which is neutral and slightly polar, at codon 817 of the LRP5 protein (p.Arg817Cys). This variant is present in population databases (rs775431782, gnomAD 0.0009%). This variant has not been reported in the literature in individuals affected with LRP5-related conditions. ClinVar contains an entry for this variant (Variation ID: 1427663). Invitae Evidence Modeling of protein sequence and biophysical properties (such as structural, functional, and spatial information, amino acid conservation, physicochemical variation, residue mobility, and thermodynamic stability) indicates that this missense variant is expected to disrupt LRP5 protein function with a positive predictive value of 95%. In summary, the available evidence is currently insufficient to determine the role of this variant in disease. Therefore, it has been classified as a Variant of Uncertain Significance.

Fulgent Genetics
Classification: Uncertain significance for Worth disease; Osteoporosis with pseudoglioma; Exudative vitreoretinopathy 4; Bone mineral density quantitative trait locus 1; Autosomal dominant osteopetrosis 1; Polycystic liver disease 4 with or without kidney cysts. Last evaluated: 2024-06-03. Review status: criteria provided, single submitter. Criteria: ACMG Guidelines, 2015. Collection method: clinical testing. Allele origin: germline.

Blueprint Genetics
Classification: Uncertain significance. Last evaluated: 2019-08-26. Review status: criteria provided, single submitter. Criteria: ACMG Guidelines, 2015. Collection method: clinical testing. Allele origin: germline.

NM_002335.4(LRP5):c.2449C>T (p.Arg817Cys)

Gene: LRP5 (LDL receptor related protein 5; plus strand). Cytogenetic location: 11q13.2.
Variant type: single nucleotide variant.
Coding change: c.2449C>T on transcript NM_002335.4 (MANE Select); coding-DNA position 2449, C replaced by T.
Protein change: p.Arg817Cys; replaces arginine 817 with cysteine.
Molecular consequence: missense variant.
Genome position (GRCh38, 1-based): chr11:68,411,566, C>T. VCF-style: chr11-68411566-C-T. GRCh37 (hg19) VCF-style: chr11-68179034-C-T.
Other names: c.706C>T, p.Arg236Cys (NM_001291902.2); short protein forms R236C, R817C.
Identifiers: ClinVar variation 1427663 (VCV001427663.9), dbSNP rs775431782, ClinGen allele CA6149638.